The following is an entry in ClinVar:

ClinVar aggregate classification (germline): Likely benign. Review status: criteria provided, multiple submitters, no conflicts (2 of 4 stars). 3 submissions from 3 submitters: Likely benign (2). 1 of the submissions does not count toward it. Last evaluated 2024-06-26.

Conditions:
UCP3-related disorder. Also called: UCP3-related condition.

Submissions (3):

Labcorp Genetics (formerly Invitae), Labcorp
Classification: Likely benign. Last evaluated: 2024-06-26. Review status: criteria provided, single submitter. Criteria: Invitae Variant Classification Sherloc (09022015). Collection method: clinical testing. Allele origin: germline.

Blueprint Genetics
Classification: Likely benign. Last evaluated: 2022-05-27. Review status: criteria provided, single submitter. Criteria: ACMG Guidelines, 2015. Collection method: clinical testing. Allele origin: germline.

PreventionGenetics, part of Exact Sciences
Classification: Likely benign for UCP3-related condition. Last evaluated: 2019-10-15. Review status: no assertion criteria provided. Collection method: clinical testing. Allele origin: germline. Not counted in ClinVar's aggregate classification.
Comment: This variant is classified as likely benign based on ACMG/AMP sequence variant interpretation guidelines (Richards et al. 2015 PMID: 25741868, with internal and published modifications).

NM_003356.4(UCP3):c.147G>C (p.Ala49=)

Gene: UCP3 (uncoupling protein 3; minus strand). Cytogenetic location: 11q13.4.
Variant type: single nucleotide variant.
Coding change: c.147G>C on transcript NM_003356.4 (MANE Select); coding-DNA position 147, G replaced by C.
Protein change: p.Ala49=; no amino-acid change (alanine 49 retained).
Molecular consequence: synonymous variant.
Genome position (GRCh38, 1-based): chr11:74,006,359, C>G on the plus strand (G>C on the coding strand, the complement: UCP3 is on the minus strand). VCF-style: chr11-74006359-C-G. GRCh37 (hg19) VCF-style: chr11-73717404-C-G.
Other names: c.147G>C, p.Ala49= (NM_022803.3).
Identifiers: ClinVar variation 3045527 (VCV003045527.5), dbSNP rs201580635, ClinGen allele CA475654096.